The following is an entry in ClinVar:

ClinVar aggregate classification (germline): Uncertain significance. Review status: criteria provided, multiple submitters, no conflicts (2 of 4 stars). 3 submissions from 3 submitters: Uncertain significance (3). Last evaluated 2025-02-16.

Conditions:
Neurofibromatosis, type 2 (SWNV). Also called: BILATERAL ACOUSTIC NEUROFIBROMATOSIS; NF2-Related Schwannomatosis; SCHWANNOMATOSIS, VESTIBULAR. Identifiers: Orphanet 637, MedGen C0027832, MONDO:0007039, OMIM 101000. Disease mechanism: loss of function.
Familial meningioma. Also called: Meningioma, familial, susceptibility to. Identifiers: Orphanet 263662, MedGen C3551915, MONDO:0011789, OMIM 607174.

Submissions (3):

Laboratory of Genetics, Children's Clinical University Hospital Latvia
Classification: Uncertain significance. Last evaluated: 2025-02-16. Review status: criteria provided, single submitter. Criteria: ACMG Guidelines, 2015. Collection method: clinical testing. Allele origin: germline. Affected: yes.

Neuberg Centre For Genomic Medicine, NCGM
Classification: Uncertain significance for Neurofibromatosis, type 2. Last evaluated: 2023-05-20. Review status: criteria provided, single submitter. Criteria: ACMG Guidelines, 2015. Collection method: clinical testing. Allele origin: germline. Inheritance: Autosomal dominant inheritance. Affected: yes.
Comment: The observed splice region variant c.114G>A (p.Glu38) in NF2 gene has not been reported previously as a pathogenic variant nor as a benign variant, to our knowledge. The p.Glu38 variant has allele frequency 0% in gnomAD Exomes. This variant has not been submitted to the ClinVar database. SpliceAI predicts this variant to cause splice donor loss (score-0.77). As this synonymous variant lies in the splice region, functional studies are required to prove the pathogenicity. Hence, for these reasons, this variant is classified as Variant of Uncertain Significance (VUS).

Juno Genomics, Hangzhou Juno Genomics, Inc
Classification: Uncertain significance for Neurofibromatosis, type 2; Familial meningioma. Review status: criteria provided, single submitter. Criteria: ACMG Guidelines, 2015. Collection method: clinical testing. Allele origin: germline.
Comment: Absent from controls (or at extremely low frequency if recessive) in Genome Aggregation Database.;Multiple lines of computational evidence support a deleterious effect on the gene or gene product.

NM_000268.4(NF2):c.114G>A (p.Glu38=)

Gene: NF2 (NF2, moesin-ezrin-radixin like (MERLIN) tumor suppressor; plus strand). Cytogenetic location: 22q12.2.
Variant type: single nucleotide variant.
Coding change: c.114G>A on transcript NM_000268.4 (MANE Select); coding-DNA position 114, G replaced by A.
Protein change: p.Glu38=; no amino-acid change (glutamic acid 38 retained).
Molecular consequence: synonymous variant. On other transcripts: 5 prime UTR variant (4), non-coding transcript variant (1).
Genome position (GRCh38, 1-based): chr22:29,604,112, G>A. VCF-style: chr22-29604112-G-A. GRCh37 (hg19) VCF-style: chr22-30000101-G-A.
Other names: c.-117G>A (NM_001407053.1, NM_001407056.1); c.114G>A, p.Glu38= (NM_001407054.1, NM_001407055.1, NM_001407057.1 and 15 more transcripts); c.-527G>A (NM_001407065.1); c.-143G>A (NM_001407067.1).
Identifiers: ClinVar variation 3341380 (VCV003341380.4).